The following is an entry in ClinVar:

ClinVar aggregate classification (germline): Likely benign (1 of 4 stars; one submission).

Submission:

CeGaT Center for Human Genetics Tuebingen
Classification: Likely benign. Last evaluated: 2026-05-01. Review status: criteria provided, single submitter. Criteria: CeGaT Center For Human Genetics Tuebingen Variant Classification Criteria Version 2. Collection method: clinical testing. Allele origin: germline. Affected: yes. Observed: 1 variant allele.
Comment: B3GNT2: PM2:Supporting, BP4, BP7

NM_006577.6(B3GNT2):c.1114C>T (p.Leu372=)

Gene: B3GNT2 (UDP-GlcNAc:betaGal beta-1,3-N-acetylglucosaminyltransferase 2; plus strand). Cytogenetic location: 2p15.
Variant type: single nucleotide variant.
Coding change: c.1114C>T on transcript NM_006577.6 (MANE Select); coding-DNA position 1114, C replaced by T.
Protein change: p.Leu372=; no amino-acid change (leucine 372 retained).
Molecular consequence: synonymous variant.
Genome position (GRCh38, 1-based): chr2:62,223,334, C>T. VCF-style: chr2-62223334-C-T. GRCh37 (hg19) VCF-style: chr2-62450469-C-T.
Other names: c.1114C>T, p.Leu372= (NM_001319075.2).
Identifiers: ClinVar variation 4873134 (VCV004873134.2).